The following is an entry in ClinVar:

ClinVar aggregate classification (germline): Likely pathogenic (1 of 4 stars; one submission).

Conditions:
Catecholaminergic polymorphic ventricular tachycardia 1. Also called: VENTRICULAR TACHYCARDIA, CATECHOLAMINERGIC POLYMORPHIC, 1, WITH OR WITHOUT ATRIAL DYSFUNCTION AND/OR DILATED CARDIOMYOPATHY; VENTRICULAR TACHYCARDIA, STRESS-INDUCED POLYMORPHIC 1; RYR2-Related Catecholaminergic Polymorphic Ventricular Tachycardia. Identifiers: Orphanet 3286, MedGen C1631597, MONDO:0011484, OMIM 604772.

Allele frequency attached by ClinVar (database versions not stated): gnomAD 0.00001.

Submission:

Labcorp Genetics (formerly Invitae), Labcorp
Classification: Likely pathogenic for Catecholaminergic polymorphic ventricular tachycardia 1. Last evaluated: 2025-01-15. Review status: criteria provided, single submitter. Criteria: Invitae Variant Classification Sherloc (09022015). Collection method: clinical testing. Allele origin: germline.
Comment: This sequence change replaces aspartic acid, which is acidic and polar, with glutamic acid, which is acidic and polar, at codon 4646 of the RYR2 protein (p.Asp4646Glu). This variant is present in population databases (no rsID available, gnomAD 0.007%). This variant has not been reported in the literature in individuals affected with RYR2-related conditions. ClinVar contains an entry for this variant (Variation ID: 2828493). Invitae Evidence Modeling of protein sequence and biophysical properties (such as structural, functional, and spatial information, amino acid conservation, physicochemical variation, residue mobility, and thermodynamic stability) indicates that this missense variant is expected to disrupt RYR2 protein function with a positive predictive value of 95%. This variant disrupts the p.Asp4646 amino acid residue in RYR2. Other variant(s) that disrupt this residue have been determined to be pathogenic (PMID: 33536282; internal data). This suggests that this residue is clinically significant, and that variants that disrupt this residue are likely to be disease-causing. In summary, the currently available evidence indicates that the variant is pathogenic, but additional data are needed to prove that conclusively. Therefore, this variant has been classified as Likely Pathogenic.

Literature cited by the submitters: PubMed 33536282.

NM_001035.3(RYR2):c.13938C>A (p.Asp4646Glu)

Gene: RYR2 (ryanodine receptor 2; plus strand). Cytogenetic location: 1q43.
Variant type: single nucleotide variant.
Coding change: c.13938C>A on transcript NM_001035.3 (MANE Select); coding-DNA position 13938, C replaced by A.
Protein change: p.Asp4646Glu; replaces aspartic acid 4646 with glutamic acid.
Molecular consequence: missense variant.
Genome position (GRCh38, 1-based): chr1:237,795,313, C>A. VCF-style: chr1-237795313-C-A. GRCh37 (hg19) VCF-style: chr1-237958613-C-A.
Other names: short protein forms D4646E.
Identifiers: ClinVar variation 2828493 (VCV002828493.3), dbSNP rs1378818859, ClinGen allele CA345418616.
Genomic context (GRCh38, chr1:237,795,313, plus strand): 5'-TAATACTATTTACTTCTATGCTTTTGTATATTTTAGGTCATTTCCCAACAACTACTGGGA[C>A]AAATTTGTTAAAAGAAAGGTAATATTACTTGGAATCCTCTACATTTTTCTTAAAGCACAG-3'
Protein context (NP_001026.2, residues 4636-4656): NTQSFPNNYW[Asp4646Glu]KFVKRKVMDK